The following is an entry in ClinVar:

NM_000059.4(BRCA2):c.9430del (p.Ser3144fs)

Gene: BRCA2 (BRCA2 DNA repair associated; plus strand). Cytogenetic location: 13q13.1.
Variant type: Deletion.
Coding change: c.9430del on transcript NM_000059.4 (MANE Select); coding-DNA position 9430, one base deleted (T; older notation c.9430delT).
Protein change: p.Ser3144fs; shifts the reading frame from serine 3144.
Molecular consequence: frameshift variant.
Genome position (GRCh38, 1-based): chr13:32,394,862, T deleted; the last of 5 consecutive T bases (chr13:32,394,858-32,394,862); deleting any one gives the same sequence. VCF-style (leftmost placement, unchanged base first): chr13-32394857-AT-A. GRCh37 (hg19) VCF-style: chr13-32968994-AT-A.
Other names: 9658delT; c.9430delT (NM_000059.3).
Identifiers: ClinVar variation 52836 (VCV000052836.21), dbSNP rs80359762, ClinGen allele CA026152.

ClinVar aggregate classification (germline): Pathogenic. Review status: reviewed by expert panel (3 of 4 stars). 7 submissions from 7 submitters: Pathogenic (1). 6 of the submissions do not count toward it. Last evaluated 2016-10-18.

Conditions:
Hereditary cancer-predisposing syndrome. Also called: Neoplastic Syndromes, Hereditary; Hereditary neoplastic syndrome; Hereditary Cancer Syndrome; Tumor predisposition. Identifiers: Orphanet 140162, MedGen C0027672, MeSH D009386, MONDO:0015356.
Hereditary breast ovarian cancer syndrome. Also called: BRCA1- and BRCA2-Associated Hereditary Breast and Ovarian Cancer; Hereditary breast and ovarian cancer syndrome (HBOC); Hereditary breast and ovarian cancer syndrome; Hereditary breast and/or ovarian cancer syndrome; Breast and ovarian cancer; Hereditary breast and ovarian cancer. Identifiers: Orphanet 145, MedGen C0677776, MeSH D061325, MONDO:0003582. Disease mechanism: loss of function.
Breast-ovarian cancer, familial, susceptibility to, 2 (BROVCA2). Also called: BRCA2 Hereditary Breast and Ovarian Cancer. Identifiers: Orphanet 145, MedGen C2675520, MONDO:0012933, OMIM 612555. Disease mechanism: loss of function.
Familial cancer of breast. Also called: hereditary breast carcinoma; Hereditary breast cancer; BREAST CANCER, FAMILIAL. Identifiers: Orphanet 227535, MedGen C0346153, MONDO:0016419, OMIM 114480. Disease mechanism: loss of function.

Submissions (7):

Evidence-based Network for the Interpretation of Germline Mutant Alleles (ENIGMA)
Classification: Pathogenic for Breast-ovarian cancer, familial, susceptibility to, 2. Last evaluated: 2016-10-18. Review status: reviewed by expert panel. Criteria: ENIGMA BRCA1/2 Classification Criteria (2015). Collection method: curation. Allele origin: germline.
Comment: Variant allele predicted to encode a truncated non-functional protein.

Ambry Genetics
Classification: Pathogenic for Hereditary cancer-predisposing syndrome. Last evaluated: 2026-06-18. Review status: criteria provided, single submitter. Criteria: Ambry Variant Classification Scheme 2023. Collection method: clinical testing. Allele origin: germline. Not counted in ClinVar's aggregate classification.
Comment: The c.9430delT pathogenic mutation, located in coding exon 24 of the BRCA2 gene, results from a deletion of one nucleotide at nucleotide position 9430, causing a translational frameshift with a predicted alternate stop codon (p.S3144Lfs*19). This variant is considered to be rare based on population cohorts in the Genome Aggregation Database (gnomAD). This alteration is expected to result in loss of function by premature protein truncation or nonsense-mediated mRNA decay. As such, this alteration is interpreted as a disease-causing mutation.

Labcorp Genetics (formerly Invitae), Labcorp
Classification: Pathogenic for Hereditary breast ovarian cancer syndrome. Last evaluated: 2025-09-27. Review status: criteria provided, single submitter. Criteria: Invitae Variant Classification Sherloc (09022015). Collection method: clinical testing. Allele origin: germline. Not counted in ClinVar's aggregate classification.
Comment: This sequence change creates a premature translational stop signal (p.Ser3144Leufs*19) in the BRCA2 gene. It is expected to result in an absent or disrupted protein product. Loss-of-function variants in BRCA2 are known to be pathogenic (PMID: 20104584). This variant is not present in population databases (gnomAD no frequency). This premature translational stop signal has been observed in individual(s) with breast and/or ovarian cancer (PMID: 16998791, 22798144). This variant is also known as 9658delT. ClinVar contains an entry for this variant (Variation ID: 52836). For these reasons, this variant has been classified as Pathogenic.

Molecular Pathology, Peter Maccallum Cancer Centre
Classification: Pathogenic for Breast-ovarian cancer, familial, susceptibility to, 2. Last evaluated: 2025-02-17. Review status: criteria provided, single submitter. Criteria: ACMG Guidelines, 2015. Collection method: clinical testing. Allele origin: germline. Inheritance: Autosomal dominant inheritance. Not counted in ClinVar's aggregate classification.

Baylor Genetics
Classification: Pathogenic for Familial cancer of breast. Last evaluated: 2021-09-26. Review status: criteria provided, single submitter. Criteria: ACMG Guidelines, 2015. Collection method: clinical testing. Allele origin: unknown. Not counted in ClinVar's aggregate classification.

Color Diagnostics, LLC DBA Color Health
Classification: Pathogenic for Hereditary cancer-predisposing syndrome. Last evaluated: 2020-01-15. Review status: criteria provided, single submitter. Criteria: ACMG Guidelines, 2015. Collection method: clinical testing. Allele origin: germline. Not counted in ClinVar's aggregate classification.
Comment: This variant deletes 1 nucleotide in exon 25 of the BRCA2 gene, creating a frameshift and premature translation stop signal. This variant is expected to result in an absent or non-functional protein product. This variant has not been identified in the general population by the Genome Aggregation Database (gnomAD). Loss of BRCA2 function is a known mechanism of disease. Based on the available evidence, this variant is classified as Pathogenic.

Consortium of Investigators of Modifiers of BRCA1/2 (CIMBA), c/o University of Cambridge
Classification: Pathogenic for Breast-ovarian cancer, familial, susceptibility to, 2. Last evaluated: 2015-10-02. Review status: criteria provided, single submitter. Criteria: CIMBA Mutation Classification guidelines May 2016. Collection method: clinical testing. Allele origin: germline. Not counted in ClinVar's aggregate classification.

Literature cited by the submitters: PubMed 20104584 (cited by Labcorp Genetics (formerly Invitae), Labcorp); PubMed 16998791 (cited by Labcorp Genetics (formerly Invitae), Labcorp); PubMed 22798144 (cited by Labcorp Genetics (formerly Invitae), Labcorp).